The following is an entry in ClinVar:

ClinVar aggregate classification (germline): Uncertain significance (1 of 4 stars; one submission).

Conditions:
Cystic fibrosis (CF). Also called: MUCOVISCIDOSIS. Identifiers: Orphanet 586, MedGen C0010674, MONDO:0009061, OMIM 219700. Disease mechanism: loss of function.

Submission:

Ambry Genetics
Classification: Uncertain significance for Cystic fibrosis. Last evaluated: 2024-10-13. Review status: criteria provided, single submitter. Criteria: Ambry Variant Classification Scheme 2023. Collection method: clinical testing. Allele origin: germline.
Comment: The p.E1472V variant (also known as c.4415A>T), located in coding exon 27 of the CFTR gene, results from an A to T substitution at nucleotide position 4415. The glutamic acid at codon 1472 is replaced by valine, an amino acid with dissimilar properties. This amino acid position is conserved. In addition, the in silico prediction for this alteration is inconclusive. Since supporting evidence is limited at this time, the clinical significance of this alteration remains unclear.

NM_000492.4(CFTR):c.4415A>T (p.Glu1472Val)

Genes: CFTR (CF transmembrane conductance regulator; plus strand), LOC111674477 (CFTR intron 23 enhancer; plus strand). Cytogenetic location: 7q31.2.
Variant type: single nucleotide variant.
Coding change: c.4415A>T on transcript NM_000492.4 (MANE Select); coding-DNA position 4415, A replaced by T.
Protein change: p.Glu1472Val; replaces glutamic acid 1472 with valine.
Molecular consequence: missense variant.
Genome position (GRCh38, 1-based): chr7:117,667,080, A>T. VCF-style: chr7-117667080-A-T. GRCh37 (hg19) VCF-style: chr7-117307134-A-T.
Other names: short protein forms E1472V.
Identifiers: ClinVar variation 1740427 (VCV001740427.3), dbSNP rs2485185982, ClinGen allele CA368985314.